The following is an entry in ClinVar:

NM_001042492.3(NF1):c.5969dup (p.Ser1991fs)

Gene: NF1 (neurofibromin 1; plus strand). Cytogenetic location: 17q11.2.
Variant type: Duplication.
Coding change: c.5969dup on transcript NM_001042492.3 (MANE Select); coding-DNA position 5969, one base duplicated (C; older notation c.5969dupC).
Protein change: p.Ser1991fs; shifts the reading frame from serine 1991.
Molecular consequence: frameshift variant.
Genome position (GRCh38, 1-based): chr17:31,334,994, C duplicated; the last of 3 consecutive C bases (chr17:31,334,992-31,334,994); duplicating any one gives the same sequence. VCF-style (leftmost placement, unchanged base first): chr17-31334991-A-AC. GRCh37 (hg19) VCF-style: chr17-29662009-A-AC.
Other names: c.5906dup, p.Ser1970Ilefs (NM_000267.4); short protein forms S1970fs, S1991fs.
Identifiers: ClinVar variation 2082212 (VCV002082212.4), dbSNP rs2508737450, ClinGen allele CA2580093008.

ClinVar aggregate classification (germline): Pathogenic (1 of 4 stars; one submission).

Conditions:
Neurofibromatosis, type 1 (NF1). Also called: Neurofibromatosis, type I; VON RECKLINGHAUSEN DISEASE; NEUROFIBROMATOSIS, TYPE I, SOMATIC; Peripheral type neurofibromatosis. Identifiers: Orphanet 636, MedGen C0027831, MONDO:0018975, OMIM 162200. Disease mechanism: loss of function.

Submission:

Labcorp Genetics (formerly Invitae), Labcorp
Classification: Pathogenic for Neurofibromatosis, type 1. Last evaluated: 2022-01-13. Review status: criteria provided, single submitter. Criteria: Invitae Variant Classification Sherloc (09022015). Collection method: clinical testing. Allele origin: germline.
Comment: For these reasons, this variant has been classified as Pathogenic. This variant has not been reported in the literature in individuals affected with NF1-related conditions. This variant is not present in population databases (gnomAD no frequency). This sequence change creates a premature translational stop signal (p.Ser1970Ilefs*18) in the NF1 gene. It is expected to result in an absent or disrupted protein product. Loss-of-function variants in NF1 are known to be pathogenic (PMID: 10712197, 23913538).

Literature cited by the submitters: PubMed 10712197; PubMed 23913538.